The following is an entry in ClinVar:

NM_018136.5(ASPM):c.9167C>A (p.Ala3056Asp)

Gene: ASPM (assembly factor for spindle microtubules; minus strand). Cytogenetic location: 1q31.3.
Variant type: single nucleotide variant.
Coding change: c.9167C>A on transcript NM_018136.5 (MANE Select); coding-DNA position 9167, C replaced by A.
Protein change: p.Ala3056Asp; replaces alanine 3056 with aspartic acid.
Molecular consequence: missense variant.
Genome position (GRCh38, 1-based): chr1:197,093,179, G>T on the plus strand (C>A on the coding strand, the complement: ASPM is on the minus strand). VCF-style: chr1-197093179-G-T. GRCh37 (hg19) VCF-style: chr1-197062309-G-T.
Other names: c.4412C>A, p.Ala1471Asp (NM_001206846.2); short protein forms A1471D, A3056D.
Identifiers: ClinVar variation 1315499 (VCV001315499.4), dbSNP rs758869894, ClinGen allele CA1309024.
Genomic context (GRCh38, chr1:197,093,179, plus strand): 5'-TATTTTATCCTTTCATGCTTTCCAGCCTCCCTGGCTCGTATATATTTTTGTATGATCAAA[G>T]CAGCAGATTTCTGCCGAAGAAAGACCTGCCTTCCTTTATATCCTCTATAATGTGCTTGGA-3'
Protein context (NP_060606.3, residues 3046-3066): RQVFLRQKSA[Ala3056Asp]LIIQKYIRAR

ClinVar aggregate classification (germline): Uncertain significance. Review status: criteria provided, multiple submitters, no conflicts (2 of 4 stars). 3 submissions from 3 submitters: Uncertain significance (3). Last evaluated 2023-04-11.

Conditions:
Microcephaly 5, primary, autosomal recessive (MCPH5). Also called: ASPM Primary Microcephaly. Identifiers: Orphanet 2512, MedGen C1837501, MONDO:0012106, OMIM 608716.

Allele frequency attached by ClinVar (database versions not stated): TOPMed 0.00001; ExAC 0.00002; gnomAD exomes 0.00003.

Submissions (3):

Genome-Nilou Lab
Classification: Uncertain significance for Microcephaly 5, primary, autosomal recessive. Last evaluated: 2023-04-11. Review status: criteria provided, single submitter. Criteria: ACMG Guidelines, 2015. Collection method: clinical testing. Allele origin: germline. Affected: no.

Labcorp Genetics (formerly Invitae), Labcorp
Classification: Uncertain significance. Last evaluated: 2022-08-15. Review status: criteria provided, single submitter. Criteria: Invitae Variant Classification Sherloc (09022015). Collection method: clinical testing. Allele origin: germline.
Comment: This sequence change replaces alanine, which is neutral and non-polar, with aspartic acid, which is acidic and polar, at codon 3056 of the ASPM protein (p.Ala3056Asp). This variant is present in population databases (rs758869894, gnomAD 0.02%). This variant has not been reported in the literature in individuals affected with ASPM-related conditions. ClinVar contains an entry for this variant (Variation ID: 1315499). Algorithms developed to predict the effect of missense changes on protein structure and function are either unavailable or do not agree on the potential impact of this missense change (SIFT: "Deleterious"; PolyPhen-2: "Benign"; Align-GVGD: "Class C0"). In summary, the available evidence is currently insufficient to determine the role of this variant in disease. Therefore, it has been classified as a Variant of Uncertain Significance.

GeneDx
Classification: Uncertain significance. Last evaluated: 2020-01-21. Review status: criteria provided, single submitter. Criteria: GeneDx Variant Classification Process June 2021. Collection method: clinical testing. Allele origin: germline. Affected: yes.
Comment: In silico analysis, which includes protein predictors and evolutionary conservation, supports a deleterious effect; Missense variant in a gene in which most reported pathogenic variants are truncating/loss-of-function; Has not been previously published as pathogenic or benign to our knowledge